The following is an entry in ClinVar:

NM_004183.4(BEST1):c.929T>C (p.Ile310Thr)

Gene: BEST1 (bestrophin 1; plus strand). Cytogenetic location: 11q12.3.
Variant type: single nucleotide variant.
Coding change: c.929T>C on transcript NM_004183.4 (MANE Select); coding-DNA position 929, T replaced by C.
Protein change: p.Ile310Thr; replaces isoleucine 310 with threonine.
Molecular consequence: missense variant. On other transcripts: non-coding transcript variant (1), intron variant (1), synonymous variant (1).
Genome position (GRCh38, 1-based): chr11:61,959,559, T>C. VCF-style: chr11-61959559-T-C. GRCh37 (hg19) VCF-style: chr11-61727031-T-C.
Other names: c.-44T>C (NM_001363593.3); c.688-333T>C (NM_001300786.2); c.749T>C, p.Ile250Thr (NM_001139443.3, NM_001300787.2); c.611T>C, p.Ile204Thr (NM_001363591.3); c.1132T>C, p.Leu378= (NM_001363592.2); short protein forms I310T, I204T, I250T.
Identifiers: ClinVar variation 99784 (VCV000099784.11), dbSNP rs281865271, ClinGen allele CA227856.
Genomic context (GRCh38, chr11:61,959,559, plus strand): 5'-TGGCAGAGCAGCTCATCAACCCCTTTGGAGAGGATGATGATGATTTTGAGACCAACTGGA[T>C]TGTCGACAGGAATTTGCAGGTATGGGGAGAGGGAGAGAAACCATACCATGGACCTTCCCC-3'
Protein context (NP_004174.1, residues 300-320): EDDDDFETNW[Ile310Thr]VDRNLQVSLL

ClinVar aggregate classification (germline): Pathogenic/Likely pathogenic. Review status: criteria provided, multiple submitters, no conflicts (2 of 4 stars). 4 submissions from 4 submitters: Pathogenic (2); Likely pathogenic (1). 1 of the submissions does not count toward it. Last evaluated 2024-12-24.

Conditions:
Retinal dystrophy. Also called: Inherited retinal dystrophy. Identifiers: Orphanet 71862, MedGen C0854723, MeSH D058499, MONDO:0019118, HP:0000556.
BEST1-related disorder. Also called: BEST1-related disorders; BEST1-related condition. Identifiers: MedGen CN239200.

Submissions (4):

Labcorp Genetics (formerly Invitae), Labcorp
Classification: Pathogenic. Last evaluated: 2024-12-24. Review status: criteria provided, single submitter. Criteria: Invitae Variant Classification Sherloc (09022015). Collection method: clinical testing. Allele origin: germline.
Comment: This sequence change replaces isoleucine, which is neutral and non-polar, with threonine, which is neutral and polar, at codon 310 of the BEST1 protein (p.Ile310Thr). This variant is not present in population databases (gnomAD no frequency). This missense change has been observed in individuals with autosomal dominant Best vitelliform macular dystrophy (PMID: 10854112, 21109774, 25082885). It has also been observed to segregate with disease in related individuals. ClinVar contains an entry for this variant (Variation ID: 99784). Invitae Evidence Modeling of protein sequence and biophysical properties (such as structural, functional, and spatial information, amino acid conservation, physicochemical variation, residue mobility, and thermodynamic stability) indicates that this missense variant is expected to disrupt BEST1 protein function with a positive predictive value of 95%. For these reasons, this variant has been classified as Pathogenic.

Blueprint Genetics
Classification: Pathogenic for BEST1-related disorders. Last evaluated: 2022-11-11. Review status: criteria provided, single submitter. Criteria: ACMG Guidelines, 2015. Collection method: clinical testing. Allele origin: germline. Affected: yes. Observed: 5 variant alleles.

Institute of Human Genetics, Univ. Regensburg, Univ. Regensburg
Classification: Likely pathogenic for Retinal dystrophy. Last evaluated: 2021-01-01. Review status: criteria provided, single submitter. Criteria: ACMG Guidelines, 2015. Collection method: clinical testing. Allele origin: germline. Affected: yes.

Retina International
No classification provided. Review status: no classification provided. Collection method: not provided. Allele origin: not provided. Not counted in ClinVar's aggregate classification.

Literature cited by the submitters: PubMed 10854112 (cited by Labcorp Genetics (formerly Invitae), Labcorp); PubMed 21109774 (cited by Labcorp Genetics (formerly Invitae), Labcorp); PubMed 25082885 (cited by Labcorp Genetics (formerly Invitae), Labcorp); PubMed 10737974 (cited by Institute of Human Genetics, Univ. Regensburg, Univ. Regensburg).